The following is an entry in ClinVar:

NM_005546.4(ITK):c.1805G>T (p.Arg602Leu)

Gene: ITK (IL2 inducible T cell kinase; plus strand). Cytogenetic location: 5q33.3.
Variant type: single nucleotide variant.
Coding change: c.1805G>T on transcript NM_005546.4 (MANE Select); coding-DNA position 1805, G replaced by T.
Protein change: p.Arg602Leu; replaces arginine 602 with leucine.
Molecular consequence: missense variant.
Genome position (GRCh38, 1-based): chr5:157,252,620, G>T. VCF-style: chr5-157252620-G-T. GRCh37 (hg19) VCF-style: chr5-156679630-G-T.
Other names: short protein forms R602L.
Identifiers: ClinVar variation 2194061 (VCV002194061.4), dbSNP rs748509752, ClinGen allele CA361964232.

ClinVar aggregate classification (germline): Uncertain significance (1 of 4 stars; one submission).

Conditions:
Lymphoproliferative syndrome 1 (LPFS1). Identifiers: Orphanet 238505, Orphanet 538963, MedGen C3552634, MONDO:0013081, OMIM 613011.

gnomAD v4.1: 7 of 1,613,940 alleles (0.00043%); highest among the groups gnomAD compares: African/African-American, 0.0013%; no homozygotes.

Submission:

Labcorp Genetics (formerly Invitae), Labcorp
Classification: Uncertain significance for Lymphoproliferative syndrome 1. Last evaluated: 2022-03-25. Review status: criteria provided, single submitter. Criteria: Invitae Variant Classification Sherloc (09022015). Collection method: clinical testing. Allele origin: germline.
Comment: In summary, the available evidence is currently insufficient to determine the role of this variant in disease. Therefore, it has been classified as a Variant of Uncertain Significance. Algorithms developed to predict the effect of missense changes on protein structure and function (SIFT, PolyPhen-2, Align-GVGD) all suggest that this variant is likely to be disruptive. This variant has not been reported in the literature in individuals affected with ITK-related conditions. This variant is present in population databases (no rsID available, gnomAD 0.007%). This sequence change replaces arginine, which is basic and polar, with leucine, which is neutral and non-polar, at codon 602 of the ITK protein (p.Arg602Leu).